The following is an entry in ClinVar:

ClinVar aggregate classification (germline): Uncertain significance. Review status: criteria provided, multiple submitters, no conflicts (2 of 4 stars). 2 submissions from 2 submitters: Uncertain significance (2). Last evaluated 2025-05-26.

Conditions:
Inborn genetic diseases. Identifiers: MedGen C0950123, MeSH D030342.
Cockayne syndrome. Identifiers: Orphanet 191, MedGen C0009207, MONDO:0016006.
Xeroderma pigmentosum, group F (XPF). Also called: ERCC4-Related Xeroderma Pigmentosum; XERODERMA PIGMENTOSUM, COMPLEMENTATION GROUP F; XERODERMA PIGMENTOSUM VI; XP, GROUP F; XERODERMA PIGMENTOSUM, TYPE F; Xeroderma pigmentosum, type 6. Identifiers: MedGen C0268140, MONDO:0010215, OMIM 278760.
Fanconi anemia complementation group Q. Identifiers: Orphanet 84, MedGen C3808988, MONDO:0014108, OMIM 615272.

Allele frequency attached by ClinVar (database versions not stated): gnomAD exomes below 0.00001; TOPMed below 0.00001.
gnomAD v4.1: 2 of 1,614,092 alleles (0.00012%); highest among the groups gnomAD compares: Non-Finnish European, 0.00017%; no homozygotes.

Submissions (2):

Ambry Genetics
Classification: Uncertain significance for Inborn genetic diseases. Last evaluated: 2025-05-26. Review status: criteria provided, single submitter. Criteria: Ambry Variant Classification Scheme 2023. Collection method: clinical testing. Allele origin: germline.

Labcorp Genetics (formerly Invitae), Labcorp
Classification: Uncertain significance for Fanconi anemia complementation group Q; Xeroderma pigmentosum, group F; Cockayne syndrome. Last evaluated: 2022-06-26. Review status: criteria provided, single submitter. Criteria: Invitae Variant Classification Sherloc (09022015). Collection method: clinical testing. Allele origin: germline.
Comment: In summary, the available evidence is currently insufficient to determine the role of this variant in disease. Therefore, it has been classified as a Variant of Uncertain Significance. Algorithms developed to predict the effect of missense changes on protein structure and function (SIFT, PolyPhen-2, Align-GVGD) all suggest that this variant is likely to be tolerated. This variant has not been reported in the literature in individuals affected with ERCC4-related conditions. This variant is present in population databases (no rsID available, gnomAD 0.0009%). This sequence change replaces glutamic acid, which is acidic and polar, with glutamine, which is neutral and polar, at codon 447 of the ERCC4 protein (p.Glu447Gln).

NM_005236.3(ERCC4):c.1339G>C (p.Glu447Gln)

Gene: ERCC4 (ERCC excision repair 4, endonuclease catalytic subunit; plus strand). Cytogenetic location: 16p13.12.
Variant type: single nucleotide variant.
Coding change: c.1339G>C on transcript NM_005236.3 (MANE Select); coding-DNA position 1339, G replaced by C.
Protein change: p.Glu447Gln; replaces glutamic acid 447 with glutamine.
Molecular consequence: missense variant.
Genome position (GRCh38, 1-based): chr16:13,935,271, G>C. VCF-style: chr16-13935271-G-C. GRCh37 (hg19) VCF-style: chr16-14029128-G-C.
Other names: short protein forms E447Q.
Identifiers: ClinVar variation 2165971 (VCV002165971.5), dbSNP rs748206066, ClinGen allele CA394809750.
Genomic context (GRCh38, chr16:13,935,271, plus strand): 5'-GGAGCGGAGGCCTTCTTATTGAGGCTCTACAGGAAAACCTTTGAGAAGGATAGCAAAGCT[G>C]AAGAAGTCTGGATGAAATTTAGGAAGGAAGACAGTTCAAAGAGAATTAGGAAATCTCACA-3'
Protein context (NP_005227.1, residues 437-457): RKTFEKDSKA[Glu447Gln]EVWMKFRKED